The following is an entry in ClinVar:

NM_012210.4(TRIM32):c.464G>A (p.Arg155His)

Genes: ASTN2 (astrotactin 2; minus strand), TRIM32 (tripartite motif containing 32; plus strand). Cytogenetic location: 9q33.1.
Variant type: single nucleotide variant.
Coding change: c.464G>A on transcript NM_012210.4 (MANE Select); coding-DNA position 464, G replaced by A.
Protein change: p.Arg155His; replaces arginine 155 with histidine.
Molecular consequence: missense variant. On other transcripts: intron variant (3).
Genome position (GRCh38, 1-based): chr9:116,698,206, G>A. VCF-style: chr9-116698206-G-A. GRCh37 (hg19) VCF-style: chr9-119460485-G-A.
Other names: c.464G>A, p.Arg155His (NM_001099679.2, NM_001379048.1, NM_001379049.1 and 1 more transcripts); c.2653+27565C>T (NM_014010.5); c.2794+27565C>T (NM_001365069.1); c.2806+27565C>T (NM_001365068.1); short protein forms R155H.
Identifiers: ClinVar variation 290325 (VCV000290325.19), dbSNP rs777914761, ClinGen allele CA5210984.

ClinVar aggregate classification (germline): Uncertain significance. Review status: criteria provided, multiple submitters, no conflicts (2 of 4 stars). 7 submissions from 7 submitters: Uncertain significance (6). 1 of the submissions does not count toward it. Last evaluated 2025-09-04.

Conditions:
Bardet-Biedl syndrome (BBS). Identifiers: Orphanet 110, MedGen C0752166, MONDO:0015229.
TRIM32-related disorder. Also called: TRIM32-related condition.
Sarcotubular myopathy (LGMDR8). Also called: Hutterite type of muscular dystrophy; Limb-girdle muscular dystrophy, type 2H; MUSCULAR DYSTROPHY, LIMB-GIRDLE, AUTOSOMAL RECESSIVE 8; Autosomal recessive limb-girdle muscular dystrophy type 2H. Identifiers: Orphanet 1878, MedGen C0270968, MONDO:0009683, OMIM 254110.
Bardet-Biedl syndrome 11 (BBS11). Identifiers: Orphanet 110, MedGen C1859569, MONDO:0014439, OMIM 615988.
Inborn genetic diseases. Identifiers: MedGen C0950123, MeSH D030342.

Allele frequency attached by ClinVar (database versions not stated): gnomAD exomes 0.00001; ExAC 0.00001; TOPMed 0.00002.
gnomAD v4.1: 31 of 1,614,036 alleles (0.0019%); highest among the groups gnomAD compares: Middle Eastern, 0.016%; 1 homozygote.

Submissions (7):

Ambry Genetics
Classification: Uncertain significance for Inborn genetic diseases. Last evaluated: 2025-09-04. Review status: criteria provided, single submitter. Criteria: Ambry Variant Classification Scheme 2023. Collection method: clinical testing. Allele origin: germline.

Fulgent Genetics
Classification: Uncertain significance for Sarcotubular myopathy; Bardet-Biedl syndrome 11. Last evaluated: 2024-06-25. Review status: criteria provided, single submitter. Criteria: ACMG Guidelines, 2015. Collection method: clinical testing. Allele origin: germline.

New York Genome Center
Classification: Uncertain significance for Sarcotubular myopathy. Last evaluated: 2022-12-15. Review status: criteria provided, single submitter. Criteria: NYGC Assertion Criteria 2020. Collection method: clinical testing. Allele origin: germline. Observed: 1 heterozygote.

Labcorp Genetics (formerly Invitae), Labcorp
Classification: Uncertain significance for Bardet-Biedl syndrome. Last evaluated: 2022-08-20. Review status: criteria provided, single submitter. Criteria: Invitae Variant Classification Sherloc (09022015). Collection method: clinical testing. Allele origin: germline.
Comment: This sequence change replaces arginine, which is basic and polar, with histidine, which is basic and polar, at codon 155 of the TRIM32 protein (p.Arg155His). This variant is present in population databases (rs777914761, gnomAD 0.006%). This variant has not been reported in the literature in individuals affected with TRIM32-related conditions. ClinVar contains an entry for this variant (Variation ID: 290325). Algorithms developed to predict the effect of missense changes on protein structure and function output the following: SIFT: "Tolerated"; PolyPhen-2: "Benign"; Align-GVGD: "Class C0". The histidine amino acid residue is found in multiple mammalian species, which suggests that this missense change does not adversely affect protein function. In summary, the available evidence is currently insufficient to determine the role of this variant in disease. Therefore, it has been classified as a Variant of Uncertain Significance.

Revvity Omics, Revvity
Classification: Uncertain significance. Last evaluated: 2021-05-26. Review status: criteria provided, single submitter. Criteria: ACMG Guidelines, 2015. Collection method: clinical testing. Allele origin: germline.

Eurofins Ntd Llc (ga)
Classification: Uncertain significance. Last evaluated: 2016-09-14. Review status: criteria provided, single submitter. Criteria: EGL Classification Definitions 2015. Collection method: clinical testing. Allele origin: germline. Observed: 1 variant allele, 1 heterozygote.

PreventionGenetics, part of Exact Sciences
Classification: Uncertain significance for TRIM32-related condition. Last evaluated: 2024-09-03. Review status: no assertion criteria provided. Collection method: clinical testing. Allele origin: germline. Not counted in ClinVar's aggregate classification.
Comment: The TRIM32 c.464G>A variant is predicted to result in the amino acid substitution p.Arg155His. To our knowledge, this variant has not been reported in the literature. This variant is reported in 0.0050% of alleles in individuals of East Asian descent in gnomAD. At this time, the clinical significance of this variant is uncertain due to the absence of conclusive functional and genetic evidence.